The following is an entry in ClinVar:

NM_006431.3(CCT2):c.1319C>G (p.Ala440Gly)

Gene: CCT2 (chaperonin containing TCP1 subunit 2; plus strand). Cytogenetic location: 12q15.
Variant type: single nucleotide variant.
Coding change: c.1319C>G on transcript NM_006431.3 (MANE Select); coding-DNA position 1319, C replaced by G.
Protein change: p.Ala440Gly; replaces alanine 440 with glycine.
Molecular consequence: missense variant.
Genome position (GRCh38, 1-based): chr12:69,598,055, C>G. VCF-style: chr12-69598055-C-G. GRCh37 (hg19) VCF-style: chr12-69991835-C-G.
Other names: c.1178C>G, p.Ala393Gly (NM_001198842.2); short protein forms A393G, A440G.
Identifiers: ClinVar variation 2039990 (VCV002039990.4), dbSNP rs1882041946, ClinGen allele CA385731085.
Genomic context (GRCh38, chr12:69,598,055, plus strand): 5'-CTGTGACACAGCTTGCCAATAGAACACCAGGCAAAGAAGCTGTTGCAATGGAGTCTTATG[C>G]TAAAGCACTGAGAATGGTAAGTTAATCAAAATGAGAGATCCGAACTTAAGTTTTGTGGTT-3'
Protein context (NP_006422.1, residues 430-450): GKEAVAMESY[Ala440Gly]KALRMLPTII

ClinVar aggregate classification (germline): Uncertain significance (1 of 4 stars; one submission).

Submission:

Labcorp Genetics (formerly Invitae), Labcorp
Classification: Uncertain significance. Last evaluated: 2022-08-16. Review status: criteria provided, single submitter. Criteria: Invitae Variant Classification Sherloc (09022015). Collection method: clinical testing. Allele origin: germline.
Comment: In summary, the available evidence is currently insufficient to determine the role of this variant in disease. Therefore, it has been classified as a Variant of Uncertain Significance. Algorithms developed to predict the effect of sequence changes on RNA splicing suggest that this variant may create or strengthen a splice site. Algorithms developed to predict the effect of missense changes on protein structure and function (SIFT, PolyPhen-2, Align-GVGD) all suggest that this variant is likely to be tolerated. This variant has not been reported in the literature in individuals affected with CCT2-related conditions. This variant is not present in population databases (gnomAD no frequency). This sequence change replaces alanine, which is neutral and non-polar, with glycine, which is neutral and non-polar, at codon 440 of the CCT2 protein (p.Ala440Gly).